The following is an entry in ClinVar:

NM_000548.5(TSC2):c.1327C>G (p.Gln443Glu)

Gene: TSC2 (TSC complex subunit 2; plus strand). Cytogenetic location: 16p13.3.
Variant type: single nucleotide variant.
Coding change: c.1327C>G on transcript NM_000548.5 (MANE Select); coding-DNA position 1327, C replaced by G.
Protein change: p.Gln443Glu; replaces glutamine 443 with glutamic acid.
Molecular consequence: missense variant.
Genome position (GRCh38, 1-based): chr16:2,062,566, C>G. VCF-style: chr16-2062566-C-G. GRCh37 (hg19) VCF-style: chr16-2112567-C-G.
Other names: c.1327C>G, p.Gln443Glu (NM_001077183.3, NM_001114382.3, NM_001363528.2 and 6 more transcripts); c.1216C>G, p.Gln406Glu (NM_001318827.2, NM_001406670.1, NM_001406678.1); c.1180C>G, p.Gln394Glu (NM_001318829.2, NM_001406675.1, NM_001406676.1 and 1 more transcripts); c.727C>G, p.Gln243Glu (NM_001318831.2, NM_001406685.1, NM_001406686.1 and 6 more transcripts); c.1360C>G, p.Gln454Glu (NM_001318832.2); c.1417C>G, p.Gln473Glu (NM_001406667.1, NM_001406668.1); c.1315C>G, p.Gln439Glu (NM_001406671.1, NM_001406673.1); c.-18C>G (NM_001406689.1, NM_001406690.1, NM_001406691.1 and 6 more transcripts); and 3 more; short protein forms Q243E, Q394E, Q424E, Q443E, Q473E, Q454E, Q289E, Q406E.
Identifiers: ClinVar variation 2138111 (VCV002138111.4), dbSNP rs2151164702, ClinGen allele CA394322419.

ClinVar aggregate classification (germline): Uncertain significance (1 of 4 stars; one submission).

Conditions:
Tuberous sclerosis 2 (TSC2). Identifiers: Orphanet 805, MedGen C1860707, MONDO:0013199, OMIM 613254.

Submission:

Labcorp Genetics (formerly Invitae), Labcorp
Classification: Uncertain significance for Tuberous sclerosis 2. Last evaluated: 2022-07-30. Review status: criteria provided, single submitter. Criteria: Invitae Variant Classification Sherloc (09022015). Collection method: clinical testing. Allele origin: germline.
Comment: Advanced modeling of protein sequence and biophysical properties (such as structural, functional, and spatial information, amino acid conservation, physicochemical variation, residue mobility, and thermodynamic stability) performed at Invitae indicates that this missense variant is not expected to disrupt TSC2 protein function. This variant has not been reported in the literature in individuals affected with TSC2-related conditions. This variant is not present in population databases (gnomAD no frequency). In summary, the available evidence is currently insufficient to determine the role of this variant in disease. Therefore, it has been classified as a Variant of Uncertain Significance. This sequence change replaces glutamine, which is neutral and polar, with glutamic acid, which is acidic and polar, at codon 443 of the TSC2 protein (p.Gln443Glu).